The following is an entry in ClinVar:

NM_004836.7(EIF2AK3):c.1516T>C (p.Tyr506His)

Gene: EIF2AK3 (eukaryotic translation initiation factor 2 alpha kinase 3; minus strand). Cytogenetic location: 2p11.2.
Variant type: single nucleotide variant.
Coding change: c.1516T>C on transcript NM_004836.7 (MANE Select); coding-DNA position 1516, T replaced by C.
Protein change: p.Tyr506His; replaces tyrosine 506 with histidine.
Molecular consequence: missense variant.
Genome position (GRCh38, 1-based): chr2:88,585,975, A>G on the plus strand (T>C on the coding strand, the complement: EIF2AK3 is on the minus strand). VCF-style: chr2-88585975-A-G. GRCh37 (hg19) VCF-style: chr2-88885493-A-G.
Other names: c.1063T>C, p.Tyr355His (NM_001313915.2); short protein forms Y355H, Y506H.
Identifiers: ClinVar variation 1051063 (VCV001051063.9), dbSNP rs2104429586, ClinGen allele CA347594517.

ClinVar aggregate classification (germline): Uncertain significance (1 of 4 stars; one submission).

Submission:

Labcorp Genetics (formerly Invitae), Labcorp
Classification: Uncertain significance. Last evaluated: 2020-01-10. Review status: criteria provided, single submitter. Criteria: Invitae Variant Classification Sherloc (09022015). Collection method: clinical testing. Allele origin: germline.
Comment: This sequence change replaces tyrosine with histidine at codon 506 of the EIF2AK3 protein (p.Tyr506His). The tyrosine residue is moderately conserved and there is a moderate physicochemical difference between tyrosine and histidine. This variant is not present in population databases (ExAC no frequency). This variant has not been reported in the literature in individuals with EIF2AK3-related conditions. In summary, the available evidence is currently insufficient to determine the role of this variant in disease. Therefore, it has been classified as a Variant of Uncertain Significance. Algorithms developed to predict the effect of missense changes on protein structure and function (SIFT, PolyPhen-2, Align-GVGD) all suggest that this variant is likely to be tolerated, but these predictions have not been confirmed by published functional studies and their clinical significance is uncertain.